The following is an entry in ClinVar:

NM_014251.3(SLC25A13):c.848+9G>T

Gene: SLC25A13 (solute carrier family 25 member 13; minus strand). Cytogenetic location: 7q21.3.
Variant type: single nucleotide variant.
Coding change: c.848+9G>T on transcript NM_014251.3 (MANE Select); 9 bases into the intron after coding-DNA position 848, G replaced by T.
Molecular consequence: intron variant.
Genome position (GRCh38, 1-based): chr7:96,189,572, C>A on the plus strand (G>T on the coding strand, the complement: SLC25A13 is on the minus strand). VCF-style: chr7-96189572-C-A. GRCh37 (hg19) VCF-style: chr7-95818884-C-A.
Other names: c.848+9G>T (NM_001160210.2).
Identifiers: ClinVar variation 384766 (VCV000384766.17), dbSNP rs201395793, ClinGen allele CA4353143.

ClinVar aggregate classification (germline): Conflicting classifications of pathogenicity. Review status: criteria provided, conflicting classifications (1 of 4 stars). 4 submissions from 4 submitters: Uncertain significance (1); Benign (1); Likely benign (1). 1 of the submissions does not count toward it. Last evaluated 2024-08-11.

Conditions:
SLC25A13-related disorder. Also called: SLC25A13-related condition.
Citrin deficiency. Identifiers: Orphanet 247582, MedGen C1997910, MONDO:0016602.

Allele frequency attached by ClinVar (database versions not stated): 1000 Genomes Project 30x 0.00031; 1000 Genomes Project 0.00040; ExAC 0.00237.

Submissions (4):

Labcorp Genetics (formerly Invitae), Labcorp
Classification: Benign for Citrin deficiency. Last evaluated: 2024-08-11. Review status: criteria provided, single submitter. Criteria: Invitae Variant Classification Sherloc (09022015). Collection method: clinical testing. Allele origin: germline.

Eurofins Ntd Llc (ga)
Classification: Uncertain significance. Last evaluated: 2018-03-30. Review status: criteria provided, single submitter. Criteria: EGL ClinVar v180209 classification definitions. Collection method: clinical testing. Allele origin: germline. Observed: 1 variant allele, 1 heterozygote.

GeneDx
Classification: Likely benign. Last evaluated: 2016-10-05. Review status: criteria provided, single submitter. Criteria: GeneDx Variant Classification (06012015). Collection method: clinical testing. Allele origin: germline. Affected: yes.
Comment: This variant is considered likely benign or benign based on one or more of the following criteria: it is a conservative change, it occurs at a poorly conserved position in the protein, it is predicted to be benign by multiple in silico algorithms, and/or has population frequency not consistent with disease.

PreventionGenetics, part of Exact Sciences
Classification: Benign for SLC25A13-related condition. Last evaluated: 2020-05-16. Review status: no assertion criteria provided. Collection method: clinical testing. Allele origin: germline. Not counted in ClinVar's aggregate classification.
Comment: This variant is classified as benign based on ACMG/AMP sequence variant interpretation guidelines (Richards et al. 2015 PMID: 25741868, with internal and published modifications).